The following is an entry in ClinVar:

ClinVar aggregate classification (germline): Uncertain significance (1 of 4 stars; one submission).

Conditions:
Hereditary cancer-predisposing syndrome. Also called: Neoplastic Syndromes, Hereditary; Tumor predisposition; Hereditary neoplastic syndrome; Hereditary Cancer Syndrome. Identifiers: Orphanet 140162, MedGen C0027672, MeSH D009386, MONDO:0015356.

Submission:

Ambry Genetics
Classification: Uncertain significance for Hereditary cancer-predisposing syndrome. Last evaluated: 2024-05-02. Review status: criteria provided, single submitter. Criteria: Ambry Variant Classification Scheme 2023. Collection method: clinical testing. Allele origin: germline.
Comment: The p.G94S variant (also known as c.280G>A), located in coding exon 3 of the TSC1 gene, results from a G to A substitution at nucleotide position 280. The glycine at codon 94 is replaced by serine, an amino acid with similar properties. This amino acid position is conserved. In addition, this alteration is predicted to be deleterious by in silico analysis. Based on the available evidence, the clinical significance of this variant remains unclear.

NM_000368.5(TSC1):c.280G>A (p.Gly94Ser)

Gene: TSC1 (TSC complex subunit 1; minus strand). Cytogenetic location: 9q34.13.
Variant type: single nucleotide variant.
Coding change: c.280G>A on transcript NM_000368.5 (MANE Select); coding-DNA position 280, G replaced by A.
Protein change: p.Gly94Ser; replaces glycine 94 with serine.
Molecular consequence: missense variant. On other transcripts: intron variant (5), 5 prime UTR variant (18), non-coding transcript variant (5).
Genome position (GRCh38, 1-based): chr9:132,925,670, C>T on the plus strand (G>A on the coding strand, the complement: TSC1 is on the minus strand). VCF-style: chr9-132925670-C-T. GRCh37 (hg19) VCF-style: chr9-135801057-C-T.
Other names: c.210+1531G>A (NM_001406611.1, NM_001162427.2, NM_001406613.1 and 2 more transcripts); c.280G>A, p.Gly94Ser (NM_001162426.2, NM_001406592.1, NM_001406593.1 and 16 more transcripts); c.-84G>A (NM_001362177.2, NM_001406625.1, NM_001406617.1 and 5 more transcripts); c.-209G>A (NM_001406615.1, NM_001406623.1); c.-176G>A (NM_001406614.1, NM_001406616.1, NM_001406624.1); c.-598G>A (NM_001406626.1, NM_001406627.1, NM_001406628.1); c.-740G>A (NM_001406629.1); c.-814G>A (NM_001406630.1); short protein forms G94S.
Identifiers: ClinVar variation 3329421 (VCV003329421.1).